The following is an entry in ClinVar:

NM_000397.4(CYBB):c.869G>A (p.Arg290Gln)

Gene: CYBB (cytochrome b-245 beta chain; plus strand). Cytogenetic location: Xp11.4.
Variant type: single nucleotide variant.
Coding change: c.869G>A on transcript NM_000397.4 (MANE Select); coding-DNA position 869, G replaced by A.
Protein change: p.Arg290Gln; replaces arginine 290 with glutamine.
Molecular consequence: missense variant.
Genome position (GRCh38, 1-based): chrX:37,801,320, G>A. VCF-style: chrX-37801320-G-A. GRCh37 (hg19) VCF-style: chrX-37660573-G-A.
Other names: short protein forms R290Q.
Identifiers: ClinVar variation 3683268 (VCV003683268.2).
Genomic context (GRCh38, chrX:37,801,320, plus strand): 5'-GGAAATGGATAGTGGGTCCCATGTTTCTGTATCTCTGTGAGAGGTTGGTGCGGTTTTGGC[G>A]ATCTCAACAGAAGGTGGTCATCACCAAGGTACTGATTGGTTTAGTAATTACTAGTGGTCA-3'
Protein context (NP_000388.2, residues 280-300): YLCERLVRFW[Arg290Gln]SQQKVVITKV

ClinVar aggregate classification (germline): Uncertain significance (1 of 4 stars; one submission).

Conditions:
Granulomatous disease, chronic, X-linked. Also called: GRANULOMATOUS DISEASE, CHRONIC, X-LINKED, SOMATIC MOSAIC; CYTOCHROME b-NEGATIVE GRANULOMATOUS DISEASE, CHRONIC, X-LINKED. Identifiers: Orphanet 379, MedGen C1844376, MONDO:0010600, OMIM 306400.

gnomAD v4.1: 1 of 1,204,428 alleles (0.000083%); highest among the groups gnomAD compares: Non-Finnish European, 0.00011%; no homozygotes.

Submission:

Labcorp Genetics (formerly Invitae), Labcorp
Classification: Uncertain significance for Granulomatous disease, chronic, X-linked. Last evaluated: 2024-05-28. Review status: criteria provided, single submitter. Criteria: Invitae Variant Classification Sherloc (09022015). Collection method: clinical testing. Allele origin: germline.
Comment: This sequence change replaces arginine, which is basic and polar, with glutamine, which is neutral and polar, at codon 290 of the CYBB protein (p.Arg290Gln). This variant is not present in population databases (gnomAD no frequency). This variant has not been reported in the literature in individuals affected with CYBB-related conditions. Advanced modeling of protein sequence and biophysical properties (such as structural, functional, and spatial information, amino acid conservation, physicochemical variation, residue mobility, and thermodynamic stability) performed at Invitae indicates that this missense variant is not expected to disrupt CYBB protein function with a negative predictive value of 80%. In summary, the available evidence is currently insufficient to determine the role of this variant in disease. Therefore, it has been classified as a Variant of Uncertain Significance.